The following is an entry in ClinVar:

ClinVar aggregate classification (germline): Uncertain significance (1 of 4 stars; one submission).

Conditions:
Inborn genetic diseases. Identifiers: MedGen C0950123, MeSH D030342.

gnomAD v4.1: 9 of 1,522,340 alleles (0.00059%); highest among the groups gnomAD compares: Non-Finnish European, 0.00062%; no homozygotes.

Submission:

Ambry Genetics
Classification: Uncertain significance for Inborn genetic diseases. Last evaluated: 2026-08-27. Review status: criteria provided, single submitter. Criteria: Ambry Variant Classification Scheme 2023. Collection method: clinical testing. Allele origin: germline.
Comment: The c.5C>G (p.T2S) alteration is located in exon 1 (coding exon 1) of the GNAQ gene. This alteration results from a C to G substitution at nucleotide position 5, causing the threonine (T) at amino acid position 2 to be replaced by a serine (S). Based on data from gnomAD, the G allele has an overall frequency of <0.001% (1/195054) total alleles studied. The highest observed frequency was 0.001% (1/89116) of European (non-Finnish) alleles. Based on insufficient or conflicting evidence, the clinical significance of this alteration remains unclear.

NM_002072.5(GNAQ):c.5C>G (p.Thr2Ser)

Gene: GNAQ (G protein subunit alpha q; minus strand). Cytogenetic location: 9q21.2.
Variant type: single nucleotide variant.
Coding change: c.5C>G on transcript NM_002072.5 (MANE Select); coding-DNA position 5, C replaced by G.
Protein change: p.Thr2Ser; replaces threonine 2 with serine.
Molecular consequence: missense variant.
Genome position (GRCh38, 1-based): chr9:78,031,231, G>C on the plus strand (C>G on the coding strand, the complement: GNAQ is on the minus strand). VCF-style: chr9-78031231-G-C. GRCh37 (hg19) VCF-style: chr9-80646147-G-C.
Other names: short protein forms T2S.
Identifiers: ClinVar variation 5022459 (VCV005022459.1).